The following is an entry in ClinVar:

ClinVar aggregate classification (germline): Pathogenic (1 of 4 stars; one submission).

Submission:

GeneDx
Classification: Pathogenic. Last evaluated: 2017-03-24. Review status: criteria provided, single submitter. Criteria: GeneDx Variant Classification (06012015). Collection method: clinical testing. Allele origin: germline. Affected: yes.
Comment: c.857_858delCA: p.Thr286SerfsX59 in exon 7 in the SLC9A6 gene (NM_006359.2). The normal sequence with the bases that are deleted in braces is: GTCA{CA}GCGA. The c.857_858delCA variant in the SLC9A6 gene has not been reported previously as a pathogenic variant nor as a benign polymorphism, to our knowledge. The c.857_858delCA variant causes a frameshift starting with codon Threonine 286, changes this amino acid to a Serine residue, and creates a premature Stop codon at position 59 of the new reading frame, denoted p.Thr286SerfsX59. This variant is predicted to cause loss of normal protein function either through protein truncation or nonsense-mediated mRNA decay. The c.857_858delCA variant was not observed in approximately 6500 individuals of European and African American ancestry in the NHLBI Exome Sequencing Project, indicating it is not a common benign variant in these populations. We interpret c.857_858delCA as a pathogenic variant. The variant is found in SLC9A6 panel(s).

NM_001379110.1(SLC9A6):c.797_798del (p.Thr266fs)

Gene: SLC9A6 (solute carrier family 9 member A6; plus strand). Cytogenetic location: Xq26.3.
Variant type: Microsatellite.
Coding change: c.797_798del on transcript NM_001379110.1 (MANE Select); coding-DNA positions 797 to 798, 2 bases deleted (CA; older notation c.797_798delCA).
Protein change: p.Thr266fs; shifts the reading frame from threonine 266.
Molecular consequence: frameshift variant.
Genome position (GRCh38, 1-based): chrX:136,010,495-136,010,496, CA deleted; deleting any 2 consecutive bases within chrX:136,010,493-136,010,496 gives the same sequence; the c. name uses the placement nearest the transcript's 3' end. VCF-style (leftmost placement, unchanged base first): chrX-136010492-TCA-T. GRCh37 (hg19) VCF-style: chrX-135092651-TCA-T.
Other names: c.953_954del, p.Thr318fs (NM_001042537.2); c.797_798del, p.Thr266fs (NM_001177651.2); c.701_702del, p.Thr234fs (NM_001330652.2); c.857_858del, p.Thr286fs (NM_006359.3); short protein forms T234fs, T266fs, T318fs, T286fs.
Identifiers: ClinVar variation 207255 (VCV000207255.2), dbSNP rs796053297, ClinGen allele CA318553.